The following is an entry in ClinVar:

NM_004415.4(DSP):c.7346del (p.Lys2449fs)

Gene: DSP (desmoplakin; plus strand). Cytogenetic location: 6p24.3.
Variant type: Deletion.
Coding change: c.7346del on transcript NM_004415.4 (MANE Select); coding-DNA position 7346, one base deleted (A; older notation c.7346delA).
Protein change: p.Lys2449fs; shifts the reading frame from lysine 2449.
Molecular consequence: frameshift variant.
Genome position (GRCh38, 1-based): chr6:7,584,608, A deleted; the last of 4 consecutive A bases (chr6:7,584,605-7,584,608); deleting any one gives the same sequence. VCF-style (leftmost placement, unchanged base first): chr6-7584604-GA-G. GRCh37 (hg19) VCF-style: chr6-7584837-GA-G.
Other names: c.5549del, p.Lys1850fs (NM_001008844.3); c.6017del, p.Lys2006fs (NM_001319034.2); short protein forms K2449fs, K1850fs, K2006fs.
Identifiers: ClinVar variation 1758427 (VCV001758427.2), dbSNP rs2533945316, ClinGen allele CA2580075362.

ClinVar aggregate classification (germline): Likely pathogenic (1 of 4 stars; one submission).

Conditions:
Cardiovascular phenotype. Identifiers: MedGen CN230736.

Submission:

Ambry Genetics
Classification: Likely pathogenic for Cardiovascular phenotype. Last evaluated: 2018-10-02. Review status: criteria provided, single submitter. Criteria: Ambry Variant Classification Scheme 2023. Collection method: clinical testing. Allele origin: germline.
Comment: The c.7346delA variant, located in coding exon 24 of the DSP gene, results from a deletion of one nucleotide at position 7346, causing a translational frameshift with a predicted alternate stop codon (p.K2449Rfs*20). Most frameshifts are typically deleterious in nature. This frameshift occurs at the 3' terminus of DSP and is not expected to trigger nonsense-mediated mRNA decay; however, the frameshift eliminates 423 amino acids in the C-terminus of the protein, which would be expected to impact both the intermediate filament and keratin interaction domains. Alterations in DSP that result in haploinsufficiency or protein truncation, including some downstream of this variant, have been reported in patients with arrhythmogenic right ventricular cardiomyopathy (ARVC) and dilated cardiomyopathy (DCM) (Fressart V et al. Europace. 2010;12(6):861-8; Elliott P et al. Circ Cardiovasc Genet. 2010;3(4):314-22; Quarta G et al. Circulation. 2011;123(23):2701-9; Garcia-Pavia P et al. Heart. 2011;97(21):1744-52; Rasmussen TB et al. Clin Genet. 2013;84(1):20-30; Pugh TJ et al. Genet Med. 2014;16(8):601-8; Castelletti S et al. Int. J. Cardiol., 2017 Dec;249:268-273). Based on the majority of available evidence to date, this variant is likely to be pathogenic.